The following is an entry in ClinVar:

NM_017841.4(SDHAF2):c.240G>C (p.Leu80Phe)

Gene: SDHAF2 (succinate dehydrogenase complex assembly factor 2; plus strand). Cytogenetic location: 11q12.2.
Variant type: single nucleotide variant.
Coding change: c.240G>C on transcript NM_017841.4 (MANE Select); coding-DNA position 240, G replaced by C.
Protein change: p.Leu80Phe; replaces leucine 80 with phenylalanine.
Molecular consequence: missense variant.
Genome position (GRCh38, 1-based): chr11:61,437,828, G>C. VCF-style: chr11-61437828-G-C. GRCh37 (hg19) VCF-style: chr11-61205300-G-C.
Other names: c.240G>C (NM_017841.2); short protein forms L80F.
Identifiers: ClinVar variation 1060090 (VCV001060090.10), dbSNP rs1223446048, ClinGen allele CA380683831.

ClinVar aggregate classification (germline): Uncertain significance. Review status: criteria provided, multiple submitters, no conflicts (2 of 4 stars). 2 submissions from 2 submitters: Uncertain significance (2). Last evaluated 2024-10-15.

Conditions:
Hereditary pheochromocytoma and paraganglioma. Also called: Hereditary paragangliomas and pheochromocytomas; Hereditary pheochromocytoma-paraganglioma; Hereditary Paraganglioma-Pheochromocytoma Syndromes. Identifiers: Orphanet 29072, MedGen C4274332, MONDO:0017366.
Hereditary cancer-predisposing syndrome. Also called: Tumor predisposition; Neoplastic Syndromes, Hereditary; Hereditary Cancer Syndrome; Hereditary neoplastic syndrome. Identifiers: Orphanet 140162, MedGen C0027672, MeSH D009386, MONDO:0015356.

Submissions (2):

Labcorp Genetics (formerly Invitae), Labcorp
Classification: Uncertain significance for Hereditary pheochromocytoma and paraganglioma. Last evaluated: 2024-10-15. Review status: criteria provided, single submitter. Criteria: Invitae Variant Classification Sherloc (09022015). Collection method: clinical testing. Allele origin: germline.
Comment: This sequence change replaces leucine, which is neutral and non-polar, with phenylalanine, which is neutral and non-polar, at codon 80 of the SDHAF2 protein (p.Leu80Phe). This variant is not present in population databases (gnomAD no frequency). This variant has not been reported in the literature in individuals affected with SDHAF2-related conditions. ClinVar contains an entry for this variant (Variation ID: 1060090). An algorithm developed to predict the effect of missense changes on protein structure and function (PolyPhen-2) suggests that this variant is likely to be disruptive. In summary, the available evidence is currently insufficient to determine the role of this variant in disease. Therefore, it has been classified as a Variant of Uncertain Significance.

Ambry Genetics
Classification: Uncertain significance for Hereditary cancer-predisposing syndrome. Last evaluated: 2023-11-11. Review status: criteria provided, single submitter. Criteria: Ambry Variant Classification Scheme 2023. Collection method: clinical testing. Allele origin: germline.
Comment: The p.L80F variant (also known as c.240G>C), located in coding exon 2 of the SDHAF2 gene, results from a G to C substitution at nucleotide position 240. The leucine at codon 80 is replaced by phenylalanine, an amino acid with highly similar properties. This amino acid position is conserved. In addition, this alteration is predicted to be deleterious by in silico analysis. Since supporting evidence is limited at this time, the clinical significance of this alteration remains unclear.